The following is an entry in ClinVar:

NM_006904.7(PRKDC):c.9878G>T (p.Cys3293Phe)

Gene: PRKDC (protein kinase, DNA-activated, catalytic subunit; minus strand). Cytogenetic location: 8q11.21.
Variant type: single nucleotide variant.
Coding change: c.9878G>T on transcript NM_006904.7 (MANE Select); coding-DNA position 9878, G replaced by T.
Protein change: p.Cys3293Phe; replaces cysteine 3293 with phenylalanine.
Molecular consequence: missense variant.
Genome position (GRCh38, 1-based): chr8:47,803,350, C>A on the plus strand (G>T on the coding strand, the complement: PRKDC is on the minus strand). VCF-style: chr8-47803350-C-A. GRCh37 (hg19) VCF-style: chr8-48715911-C-A.
Other names: c.9878G>T, p.Cys3293Phe (NM_001081640.2); short protein forms C3293F.
Identifiers: ClinVar variation 1400561 (VCV001400561.6), dbSNP rs2154498351, ClinGen allele CA371136567.
Genomic context (GRCh38, chr8:47,803,350, plus strand): 5'-AAAGCGGTCAACTTACCCAACAAAGAGACTGTTTTCAGCACAGTGAGCACCTGCTCAGAG[C>A]AGCCCTGGGACCGGCTCCGGCAGTGGCTCAGGCGGCAGTAGCTCTGCACCCAGCTCACCA-3'
Protein context (NP_008835.5, residues 3283-3303): LSHCRSRSQG[Cys3293Phe]SEQVLTVLKT

ClinVar aggregate classification (germline): Uncertain significance (1 of 4 stars; one submission).

Conditions:
Severe combined immunodeficiency due to DNA-PKcs deficiency. Also called: Immunodeficiency 26 with or without neurologic abnormalities; IMMUNODEFICIENCY 26 WITH NEUROLOGIC ABNORMALITIES. Identifiers: Orphanet 317425, MedGen C4014833, MONDO:0014423, OMIM 615966.

gnomAD v4.1: 2 of 1,614,012 alleles (0.00012%); highest among the groups gnomAD compares: Non-Finnish European, 0.000085%; no homozygotes.

Submission:

Labcorp Genetics (formerly Invitae), Labcorp
Classification: Uncertain significance for Severe combined immunodeficiency due to DNA-PKcs deficiency. Last evaluated: 2022-02-05. Review status: criteria provided, single submitter. Criteria: Invitae Variant Classification Sherloc (09022015). Collection method: clinical testing. Allele origin: germline.
Comment: In summary, the available evidence is currently insufficient to determine the role of this variant in disease. Therefore, it has been classified as a Variant of Uncertain Significance. Experimental studies and prediction algorithms are not available or were not evaluated, and the functional significance of this variant is currently unknown. This variant has not been reported in the literature in individuals affected with PRKDC-related conditions. This variant is not present in population databases (gnomAD no frequency). This sequence change replaces cysteine, which is neutral and slightly polar, with phenylalanine, which is neutral and non-polar, at codon 3293 of the PRKDC protein (p.Cys3293Phe).